The following is an entry in ClinVar:

NM_000535.7(PMS2):c.14A>G (p.Glu5Gly)

Gene: PMS2 (PMS1 homolog 2, mismatch repair system component; minus strand). Cytogenetic location: 7p22.1.
Variant type: single nucleotide variant.
Coding change: c.14A>G on transcript NM_000535.7 (MANE Select); coding-DNA position 14, A replaced by G.
Protein change: p.Glu5Gly; replaces glutamic acid 5 with glycine.
Molecular consequence: missense variant. On other transcripts: 5 prime UTR variant (11), non-coding transcript variant (1).
Genome position (GRCh38, 1-based): chr7:6,009,006, T>C on the plus strand (A>G on the coding strand, the complement: PMS2 is on the minus strand). VCF-style: chr7-6009006-T-C. GRCh37 (hg19) VCF-style: chr7-6048637-T-C.
Other names: c.-387A>G (NM_001322003.2, NM_001322013.2); c.-252A>G (NM_001322004.2, NM_001322010.2); c.-582A>G (NM_001322005.2); c.14A>G, p.Glu5Gly (NM_001322006.2, NM_001322014.2); c.-202A>G (NM_001322007.2); c.-62A>G (NM_001322008.2); c.-577A>G (NM_001322009.2); c.-871A>G (NM_001322011.2); and 2 more; short protein forms E5G.
Identifiers: ClinVar variation 858936 (VCV000858936.12), dbSNP rs876659080, ClinGen allele CA366745234.

ClinVar aggregate classification (germline): Uncertain significance. Review status: criteria provided, multiple submitters, no conflicts (2 of 4 stars). 2 submissions from 2 submitters: Uncertain significance (2). Last evaluated 2023-01-12.

Conditions:
Hereditary cancer-predisposing syndrome. Also called: Tumor predisposition; Hereditary neoplastic syndrome; Neoplastic Syndromes, Hereditary; Hereditary Cancer Syndrome. Identifiers: Orphanet 140162, MedGen C0027672, MeSH D009386, MONDO:0015356.
Hereditary nonpolyposis colorectal neoplasms. Identifiers: MedGen C0009405, MeSH D003123.

Submissions (2):

Labcorp Genetics (formerly Invitae), Labcorp
Classification: Uncertain significance for Hereditary nonpolyposis colorectal neoplasms. Last evaluated: 2023-01-12. Review status: criteria provided, single submitter. Criteria: Invitae Variant Classification Sherloc (09022015). Collection method: clinical testing. Allele origin: germline.
Comment: In summary, the available evidence is currently insufficient to determine the role of this variant in disease. Therefore, it has been classified as a Variant of Uncertain Significance. Advanced modeling of protein sequence and biophysical properties (such as structural, functional, and spatial information, amino acid conservation, physicochemical variation, residue mobility, and thermodynamic stability) performed at Invitae indicates that this missense variant is not expected to disrupt PMS2 protein function. ClinVar contains an entry for this variant (Variation ID: 858936). This variant has not been reported in the literature in individuals affected with PMS2-related conditions. This variant is not present in population databases (gnomAD no frequency). This sequence change replaces glutamic acid, which is acidic and polar, with glycine, which is neutral and non-polar, at codon 5 of the PMS2 protein (p.Glu5Gly).

Ambry Genetics
Classification: Uncertain significance for Hereditary cancer-predisposing syndrome. Last evaluated: 2022-03-28. Review status: criteria provided, single submitter. Criteria: Ambry Variant Classification Scheme 2023. Collection method: clinical testing. Allele origin: germline.
Comment: The p.E5G variant (also known as c.14A>G), located in coding exon 1 of the PMS2 gene, results from an A to G substitution at nucleotide position 14. The glutamic acid at codon 5 is replaced by glycine, an amino acid with similar properties. This amino acid position is well conserved in available vertebrate species. In addition, the in silico prediction for this alteration is inconclusive. Since supporting evidence is limited at this time, the clinical significance of this alteration remains unclear.